The following is an entry in ClinVar:

ClinVar aggregate classification (germline): Conflicting classifications of pathogenicity. Review status: criteria provided, conflicting classifications (1 of 4 stars). 2 submissions from 1 submitter: Uncertain significance (1); Benign (1). Last evaluated 2018-01-13.

Conditions:
Optic atrophy 3 (OPA3). Also called: OPTIC ATROPHY 3, AUTOSOMAL DOMINANT; Optic atrophy, cataract, and neurologic disorder; Optic atrophy 3 with cataract. Identifiers: Orphanet 67036, MedGen C1833809, MONDO:0008133, OMIM 165300.
3-Methylglutaconic aciduria type 3 (MGCA3). Also called: OPA3, AUTOSOMAL RECESSIVE; OPTIC ATROPHY 3, AUTOSOMAL RECESSIVE; Costeff Syndrome; OPA3-Related 3-Methylglutaconic Aciduria. Identifiers: Orphanet 67047, MedGen C0574084, MONDO:0009787, OMIM 258501.

Allele frequency attached by ClinVar (database versions not stated): gnomAD 0.00002 and 0.00007; TOPMed 0.00003; 1000 Genomes Project 0.00060; 1000 Genomes Project 30x 0.00062.

Submissions (2):

Illumina Laboratory Services, Illumina
Classification: Benign for Optic atrophy 3. Last evaluated: 2018-01-13. Review status: criteria provided, single submitter. Criteria: ICSL Variant Classification Criteria 13 December 2019. Collection method: clinical testing. Allele origin: germline.
Comment: This variant was observed in the ICSL laboratory as part of a predisposition screen in an ostensibly healthy population. It had not been previously curated by ICSL or reported in the Human Gene Mutation Database (HGMD: prior to June 1st, 2018), and was therefore a candidate for classification through an automated scoring system. Utilizing variant allele frequency, disease prevalence and penetrance estimates, and inheritance mode, an automated score was calculated to assess if this variant is too frequent to cause the disease. Based on the score and internal cut-off values, a variant classified as benign is not then subjected to further curation. The score for this variant resulted in a classification of benign for this disease.

Illumina Laboratory Services, Illumina
Classification: Uncertain significance for 3-Methylglutaconic aciduria type 3. Last evaluated: 2018-01-13. Review status: criteria provided, single submitter. Criteria: ICSL Variant Classification Criteria 13 December 2019. Collection method: clinical testing. Allele origin: germline.

NM_025136.4(OPA3):c.*1095C>A

Genes: OPA3-RTN2 (OPA3-RTN2 readthrough; minus strand), OPA3 (outer mitochondrial membrane lipid metabolism regulator OPA3; minus strand). Cytogenetic location: 19q13.32.
Variant type: single nucleotide variant.
Coding change: c.*1095C>A on transcript NM_025136.4 (MANE Select); 1095 bases downstream of the stop codon, C replaced by A.
Molecular consequence: 3 prime UTR variant. On other transcripts: intron variant (1).
Genome position (GRCh38, 1-based): chr19:45,552,419, G>T on the plus strand (C>A on the coding strand, the complement: OPA3 is on the minus strand). VCF-style: chr19-45552419-G-T. GRCh37 (hg19) VCF-style: chr19-46055677-G-T.
Other names: c.143-22963C>A (NM_001017989.3).
Identifiers: ClinVar variation 329661 (VCV000329661.5), dbSNP rs148228876, ClinGen allele CA10652595.